The following is an entry in ClinVar:

NM_001371986.1(UNC80):c.2399del (p.Leu800fs)

Gene: UNC80 (unc-80 subunit of NALCN channel complex; plus strand). Cytogenetic location: 2q34.
Variant type: Deletion.
Coding change: c.2399del on transcript NM_001371986.1 (MANE Select); coding-DNA position 2399, one base deleted (T; older notation c.2399delT).
Protein change: p.Leu800fs; shifts the reading frame from leucine 800.
Molecular consequence: frameshift variant.
Genome position (GRCh38, 1-based): chr2:209,825,974, T deleted; the last of 3 consecutive T bases (chr2:209,825,972-209,825,974); deleting any one gives the same sequence. VCF-style (leftmost placement, unchanged base first): chr2-209825971-CT-C. GRCh37 (hg19) VCF-style: chr2-210690695-CT-C.
Other names: c.2399delT (NM_032504.1); c.2399del, p.Leu800fs (NM_032504.2, NM_182587.4); short protein forms L800fs.
Identifiers: ClinVar variation 431143 (VCV000431143.4), dbSNP rs1135401813, ClinGen allele CA645372375.

ClinVar aggregate classification (germline): Pathogenic. Review status: criteria provided, single submitter (1 of 4 stars). 2 submissions from 2 submitters: Pathogenic (1). 1 of the submissions does not count toward it. Last evaluated 2017-01-06.

Conditions:
Hypotonia, infantile, with psychomotor retardation and characteristic facies 2 (IHPRF2). Also called: UNC80 Deficiency. Identifiers: Orphanet 371364, Orphanet 700333, MedGen C4225203, MONDO:0014777, OMIM 616801.

Submissions (2):

Groupe Hospitalier Pitie Salpetriere, Uf Genomique Du Developpement, Assistance Publique Hopitaux de Paris Sorbonne Université
Classification: Pathogenic for Hypotonia, infantile, with psychomotor retardation and characteristic facies 2. Last evaluated: 2017-01-06. Review status: criteria provided, single submitter. Criteria: ACMG Guidelines, 2015. Collection method: clinical testing. Allele origin: paternal. Affected: yes. Observed: 1 variant allele.
Comment: neonatal hypotonia; Intellectual disability, severe; dystonia; unintentional movements of upper limbs; normal CPK and lactates levels

Yale Center for Mendelian Genomics, Yale University
Classification: Pathogenic for Hypotonia, infantile, with psychomotor retardation and characteristic facies 2. Last evaluated: 2018-08-23. Review status: no assertion criteria provided. Collection method: literature only. Allele origin: germline. Affected: yes. Observed: 1 compound heterozygote. Not counted in ClinVar's aggregate classification.

Literature cited by the submitters: PubMed 28708303 (cited by Groupe Hospitalier Pitie Salpetriere, Uf Genomique Du Developpement, Assistance Publique Hopitaux de Paris Sorbonne Université); PubMed 30167850 (cited by Yale Center for Mendelian Genomics, Yale University).